The following is an entry in ClinVar:

NM_000321.3(RB1):c.98C>G (p.Pro33Arg)

Gene: RB1 (RB transcriptional corepressor 1; plus strand). Cytogenetic location: 13q14.2.
Variant type: single nucleotide variant.
Coding change: c.98C>G on transcript NM_000321.3 (MANE Select); coding-DNA position 98, C replaced by G.
Protein change: p.Pro33Arg; replaces proline 33 with arginine.
Molecular consequence: missense variant.
Genome position (GRCh38, 1-based): chr13:48,304,010, C>G. VCF-style: chr13-48304010-C-G. GRCh37 (hg19) VCF-style: chr13-48878146-C-G.
Other names: short protein forms P33R.
Identifiers: ClinVar variation 1008617 (VCV001008617.8), dbSNP rs1201977804, ClinGen allele CA388250321.

ClinVar aggregate classification (germline): Uncertain significance (1 of 4 stars; one submission).

Conditions:
Retinoblastoma (RB1). Also called: RETINOBLASTOMA, SOMATIC. Identifiers: Orphanet 790, MedGen C0035335, MeSH D012175, MONDO:0008380, OMIM 180200, HP:0009919. Disease mechanism: loss of function. Inheritance: Both sporadic and heritable forms are tested..

Allele frequency attached by ClinVar (database versions not stated): gnomAD exomes below 0.00001 and 0.00001.
gnomAD v4.1: 1 of 1,484,752 alleles (0.000067%); highest among the groups gnomAD compares: Admixed American, 0.0023%; no homozygotes.

Submission:

Labcorp Genetics (formerly Invitae), Labcorp
Classification: Uncertain significance for Retinoblastoma. Last evaluated: 2020-07-27. Review status: criteria provided, single submitter. Criteria: Invitae Variant Classification Sherloc (09022015). Collection method: clinical testing. Allele origin: germline.
Comment: This sequence change replaces proline with arginine at codon 33 of the RB1 protein (p.Pro33Arg). The proline residue is moderately conserved and there is a moderate physicochemical difference between proline and arginine. Algorithms developed to predict the effect of missense changes on protein structure and function are either unavailable or do not agree on the potential impact of this missense change (SIFT: "Deleterious"; PolyPhen-2: "Benign"; Align-GVGD: "Class C0"). This variant has not been reported in the literature in individuals with RB1-related conditions. The frequency data for this variant in the population databases is considered unreliable, as metrics indicate insufficient coverage at this position in the ExAC database. In summary, the available evidence is currently insufficient to determine the role of this variant in disease. Therefore, it has been classified as a Variant of Uncertain Significance.